The following is an entry in ClinVar:

NM_015692.5(CPAMD8):c.372C>T (p.Asp124=)

Gene: CPAMD8 (C3 and PZP like alpha-2-macroglobulin domain containing 8; minus strand). Cytogenetic location: 19p13.11.
Variant type: single nucleotide variant.
Coding change: c.372C>T on transcript NM_015692.5 (MANE Select); coding-DNA position 372, C replaced by T.
Protein change: p.Asp124=; no amino-acid change (aspartic acid 124 retained).
Molecular consequence: synonymous variant. On other transcripts: non-coding transcript variant (1).
Genome position (GRCh38, 1-based): chr19:17,011,653, G>A on the plus strand (C>T on the coding strand, the complement: CPAMD8 is on the minus strand). VCF-style: chr19-17011653-G-A. GRCh37 (hg19) VCF-style: chr19-17122463-G-A.
Identifiers: ClinVar variation 1294623 (VCV001294623.12), dbSNP rs56266450, ClinGen allele CA9286194.

ClinVar aggregate classification (germline): Benign. Review status: criteria provided, multiple submitters, no conflicts (2 of 4 stars). 4 submissions from 4 submitters: Benign (3). 1 of the submissions does not count toward it. Last evaluated 2026-01-25.

Conditions:
CPAMD8-related disorder. Also called: CPAMD8-related condition.

Allele frequency attached by ClinVar (database versions not stated): gnomAD exomes 0.00820 and 0.02023; ExAC 0.02436; gnomAD 0.07591 and 0.08121; ESP Exome Variant Server 0.08234; TOPMed 0.08527; 1000 Genomes Project 0.09085; 1000 Genomes Project 30x 0.09791.
gnomAD v4.1: 24,050 of 1,614,006 alleles (1.5%); highest among the groups gnomAD compares: African/African-American, 26%; 2,707 homozygotes.

Submissions (4):

Labcorp Genetics (formerly Invitae), Labcorp
Classification: Benign. Last evaluated: 2026-01-25. Review status: criteria provided, single submitter. Criteria: Invitae Variant Classification Sherloc (09022015). Collection method: clinical testing. Allele origin: germline.

GeneDx
Classification: Benign. Last evaluated: 2021-05-04. Review status: criteria provided, single submitter. Criteria: GeneDx Variant Classification Process June 2021. Collection method: clinical testing. Allele origin: germline. Affected: yes.

Breakthrough Genomics
Classification: Benign. Review status: criteria provided, single submitter. Criteria: ACMG Guidelines, 2015. Collection method: not provided. Allele origin: germline. Inheritance: Autosomal recessive inheritance. Affected: yes.

PreventionGenetics, part of Exact Sciences
Classification: Benign for CPAMD8-related condition. Last evaluated: 2019-11-25. Review status: no assertion criteria provided. Collection method: clinical testing. Allele origin: germline. Not counted in ClinVar's aggregate classification.
Comment: This variant is classified as benign based on ACMG/AMP sequence variant interpretation guidelines (Richards et al. 2015 PMID: 25741868, with internal and published modifications).